The following is an entry in ClinVar:

ClinVar aggregate classification (germline): Uncertain significance (1 of 4 stars; one submission).

Conditions:
Familial hemophagocytic lymphohistiocytosis 2 (FHL2). Also called: PRF1-Related Familial Hemophagocytic Lymphohistiocytosis (PRF1-fHLH). Identifiers: Orphanet 540, MedGen C1863727, MONDO:0011337, OMIM 603553.

Allele frequency attached by ClinVar (database versions not stated): gnomAD exomes below 0.00001; gnomAD 0.00001; TOPMed 0.00001.

Submission:

Labcorp Genetics (formerly Invitae), Labcorp
Classification: Uncertain significance for Familial hemophagocytic lymphohistiocytosis 2. Last evaluated: 2022-08-23. Review status: criteria provided, single submitter. Criteria: Invitae Variant Classification Sherloc (09022015). Collection method: clinical testing. Allele origin: germline.
Comment: This sequence change replaces valine, which is neutral and non-polar, with methionine, which is neutral and non-polar, at codon 48 of the PRF1 protein (p.Val48Met). This variant is not present in population databases (gnomAD no frequency). This variant has not been reported in the literature in individuals affected with PRF1-related conditions. ClinVar contains an entry for this variant (Variation ID: 1491750). Algorithms developed to predict the effect of missense changes on protein structure and function output the following: SIFT: "Tolerated"; PolyPhen-2: "Benign"; Align-GVGD: "Class C0". The methionine amino acid residue is found in multiple mammalian species, which suggests that this missense change does not adversely affect protein function. In summary, the available evidence is currently insufficient to determine the role of this variant in disease. Therefore, it has been classified as a Variant of Uncertain Significance.

NM_001083116.3(PRF1):c.142G>A (p.Val48Met)

Gene: PRF1 (perforin 1; minus strand). Cytogenetic location: 10q22.1.
Variant type: single nucleotide variant.
Coding change: c.142G>A on transcript NM_001083116.3 (MANE Select); coding-DNA position 142, G replaced by A.
Protein change: p.Val48Met; replaces valine 48 with methionine.
Molecular consequence: missense variant.
Genome position (GRCh38, 1-based): chr10:70,600,761, C>T on the plus strand (G>A on the coding strand, the complement: PRF1 is on the minus strand). VCF-style: chr10-70600761-C-T. GRCh37 (hg19) VCF-style: chr10-72360517-C-T.
Other names: c.142G>A, p.Val48Met (NM_005041.6); short protein forms V48M.
Identifiers: ClinVar variation 1491750 (VCV001491750.5), dbSNP rs1283597219, ClinGen allele CA376960006.